The following is an entry in ClinVar:

NM_000051.4(ATM):c.8138G>T (p.Arg2713Ile)

Genes: ATM (ATM serine/threonine kinase; plus strand), C11orf65 (chromosome 11 open reading frame 65; minus strand). Cytogenetic location: 11q22.3.
Variant type: single nucleotide variant.
Coding change: c.8138G>T on transcript NM_000051.4 (MANE Select); coding-DNA position 8138, G replaced by T.
Protein change: p.Arg2713Ile; replaces arginine 2713 with isoleucine.
Molecular consequence: missense variant. On other transcripts: intron variant (2).
Genome position (GRCh38, 1-based): chr11:108,335,096, G>T. VCF-style: chr11-108335096-G-T. GRCh37 (hg19) VCF-style: chr11-108205823-G-T.
Other names: c.8138G>T, p.Arg2713Ile (NM_001351834.2); c.641-26025C>A (NM_001330368.2); c.*38+124C>A (NM_001351110.2); short protein forms R2713I.
Identifiers: ClinVar variation 1042929 (VCV001042929.9), dbSNP rs876659351, ClinGen allele CA382562222.

ClinVar aggregate classification (germline): Uncertain significance (1 of 4 stars; one submission).

Conditions:
Ataxia-telangiectasia syndrome (AT). Also called: Ataxia telangiectasia (A-T); ATAXIA-TELANGIECTASIA, COMPLEMENTATION GROUP A; ATAXIA-TELANGIECTASIA, FRESNO VARIANT; Ataxia-telangiectasia; Ataxia-telangiectasia, complementation group E; LOUIS-BAR SYNDROME. Identifiers: Orphanet 100, MedGen C0004135, MONDO:0008840, OMIM 208900.

Submission:

Labcorp Genetics (formerly Invitae), Labcorp
Classification: Uncertain significance for Ataxia-telangiectasia syndrome. Last evaluated: 2021-04-16. Review status: criteria provided, single submitter. Criteria: Invitae Variant Classification Sherloc (09022015). Collection method: clinical testing. Allele origin: germline.
Comment: In summary, the available evidence is currently insufficient to determine the role of this variant in disease. Therefore, it has been classified as a Variant of Uncertain Significance. Advanced modeling of protein sequence and biophysical properties (such as structural, functional, and spatial information, amino acid conservation, physicochemical variation, residue mobility, and thermodynamic stability) performed at Invitae indicates that this missense variant is expected to disrupt ATM protein function. This variant has not been reported in the literature in individuals with ATM-related conditions. This variant is not present in population databases (ExAC no frequency). This sequence change replaces arginine with isoleucine at codon 2713 of the ATM protein (p.Arg2713Ile). The arginine residue is highly conserved and there is a moderate physicochemical difference between arginine and isoleucine.